The following is an entry in ClinVar:

ClinVar aggregate classification (germline): Uncertain significance. Review status: criteria provided, multiple submitters, no conflicts (2 of 4 stars). 3 submissions from 3 submitters: Uncertain significance (3). Last evaluated 2025-09-30.

Conditions:
Hereditary cancer-predisposing syndrome. Also called: Neoplastic Syndromes, Hereditary; Hereditary Cancer Syndrome; Hereditary neoplastic syndrome; Tumor predisposition. Identifiers: Orphanet 140162, MedGen C0027672, MeSH D009386, MONDO:0015356.
Multiple endocrine neoplasia, type 2 (MEN2). Identifiers: Orphanet 653, MedGen C4048306, MONDO:0019003. Disease mechanism: gain of function.

Allele frequency attached by ClinVar (database versions not stated): gnomAD exomes below 0.00001.
gnomAD v4.1: 1 of 1,613,322 alleles (0.000062%); highest among the groups gnomAD compares: Non-Finnish European, 0.000085%; no homozygotes.

Submissions (3):

Labcorp Genetics (formerly Invitae), Labcorp
Classification: Uncertain significance for Multiple endocrine neoplasia, type 2. Last evaluated: 2025-09-30. Review status: criteria provided, single submitter. Criteria: Invitae Variant Classification Sherloc (09022015). Collection method: clinical testing. Allele origin: germline.
Comment: This sequence change replaces aspartic acid, which is acidic and polar, with histidine, which is basic and polar, at codon 839 of the RET protein (p.Asp839His). This variant is not present in population databases (gnomAD no frequency). This variant has not been reported in the literature in individuals affected with RET-related conditions. ClinVar contains an entry for this variant (Variation ID: 2562606). An algorithm developed to predict the effect of missense changes on protein structure and function (PolyPhen-2) suggests that this variant is likely to be disruptive. In summary, the available evidence is currently insufficient to determine the role of this variant in disease. Therefore, it has been classified as a Variant of Uncertain Significance.

Color Diagnostics, LLC DBA Color Health
Classification: Uncertain significance for Multiple endocrine neoplasia, type 2. Last evaluated: 2025-07-03. Review status: criteria provided, single submitter. Criteria: ACMG Guidelines, 2015. Collection method: clinical testing. Allele origin: germline.
Comment: This missense variant replaces aspartic acid with histidine at codon 839 of the RET protein. Computational prediction is inconclusive regarding the impact of this variant on protein structure and function. To our knowledge, functional studies have not been reported for this variant. This variant has not been reported in individuals affected with RET-related disorders in the literature. This variant has not been identified in the general population by the Genome Aggregation Database (gnomAD). The available evidence is insufficient to determine the role of this variant in disease conclusively. Therefore, this variant is classified as a Variant of Uncertain Significance.

Ambry Genetics
Classification: Uncertain significance for Hereditary cancer-predisposing syndrome. Last evaluated: 2023-05-02. Review status: criteria provided, single submitter. Criteria: Ambry Variant Classification Scheme 2023. Collection method: clinical testing. Allele origin: germline.
Comment: The p.D839H variant (also known as c.2515G>C), located in coding exon 14 of the RET gene, results from a G to C substitution at nucleotide position 2515. The aspartic acid at codon 839 is replaced by histidine, an amino acid with similar properties. This amino acid position is conserved. In addition, the in silico prediction for this alteration is inconclusive. Since supporting evidence is limited at this time, the clinical significance of this alteration remains unclear.

NM_020975.6(RET):c.2515G>C (p.Asp839His)

Gene: RET (ret proto-oncogene; plus strand). Cytogenetic location: 10q11.21.
Variant type: single nucleotide variant.
Coding change: c.2515G>C on transcript NM_020975.6 (MANE Select); coding-DNA position 2515, G replaced by C.
Protein change: p.Asp839His; replaces aspartic acid 839 with histidine.
Molecular consequence: missense variant.
Genome position (GRCh38, 1-based): chr10:43,119,653, G>C. VCF-style: chr10-43119653-G-C. GRCh37 (hg19) VCF-style: chr10-43615101-G-C.
Other names: c.2515G>C, p.Asp839His (NM_000323.2, NM_001406743.1, NM_001406744.1 and 4 more transcripts); c.1753G>C, p.Asp585His (NM_001355216.2); c.2386G>C, p.Asp796His (NM_001406761.1, NM_001406762.1, NM_001406764.1); c.2380G>C, p.Asp794His (NM_001406763.1, NM_001406765.1); c.2227G>C, p.Asp743His (NM_001406766.1, NM_001406767.1, NM_001406770.1); c.2251G>C, p.Asp751His (NM_001406768.1); c.2119G>C, p.Asp707His (NM_001406769.1, NM_001406772.1); c.2077G>C, p.Asp693His (NM_001406771.1, NM_001406773.1); and 10 more; short protein forms D500H, D707H, D796H, D404H, D444H, D794H, D839H, D495H.
Identifiers: ClinVar variation 2562606 (VCV002562606.6), dbSNP rs1838160779, ClinGen allele CA376556424.